The following is an entry in ClinVar:

NM_015072.5(TTLL5):c.1285T>G (p.Cys429Gly)

Gene: TTLL5 (tubulin tyrosine ligase like 5; plus strand). Cytogenetic location: 14q24.3.
Variant type: single nucleotide variant.
Coding change: c.1285T>G on transcript NM_015072.5 (MANE Select); coding-DNA position 1285, T replaced by G.
Protein change: p.Cys429Gly; replaces cysteine 429 with glycine.
Molecular consequence: missense variant.
Genome position (GRCh38, 1-based): chr14:75,745,098, T>G. VCF-style: chr14-75745098-T-G. GRCh37 (hg19) VCF-style: chr14-76211441-T-G.
Other names: c.1285T>G (NM_015072.4); short protein forms C429G.
Identifiers: ClinVar variation 1984328 (VCV001984328.5), dbSNP rs200850090, ClinGen allele CA7279336.

ClinVar aggregate classification (germline): Uncertain significance. Review status: criteria provided, multiple submitters, no conflicts (2 of 4 stars). 3 submissions from 3 submitters: Uncertain significance (3). Last evaluated 2024-02-27.

Conditions:
Inborn genetic diseases. Identifiers: MedGen C0950123, MeSH D030342.

Allele frequency attached by ClinVar (database versions not stated): gnomAD exomes 0.00001; ExAC 0.00002; gnomAD 0.00003; TOPMed 0.00005; 1000 Genomes Project 30x 0.00031; 1000 Genomes Project 0.00040.
gnomAD v4.1: 14 of 1,613,822 alleles (0.00087%); highest among the groups gnomAD compares: African/African-American, 0.016%; no homozygotes.

Submissions (3):

Ambry Genetics
Classification: Uncertain significance for Inborn genetic diseases. Last evaluated: 2024-02-27. Review status: criteria provided, single submitter. Criteria: Ambry Variant Classification Scheme 2023. Collection method: clinical testing. Allele origin: germline.

Blueprint Genetics
Classification: Uncertain significance. Last evaluated: 2022-10-24. Review status: criteria provided, single submitter. Criteria: ACMG Guidelines, 2015. Collection method: clinical testing. Allele origin: germline.

Labcorp Genetics (formerly Invitae), Labcorp
Classification: Uncertain significance. Last evaluated: 2022-04-07. Review status: criteria provided, single submitter. Criteria: Invitae Variant Classification Sherloc (09022015). Collection method: clinical testing. Allele origin: germline.
Comment: In summary, the available evidence is currently insufficient to determine the role of this variant in disease. Therefore, it has been classified as a Variant of Uncertain Significance. Algorithms developed to predict the effect of missense changes on protein structure and function (SIFT, PolyPhen-2, Align-GVGD) all suggest that this variant is likely to be tolerated. This variant has not been reported in the literature in individuals affected with TTLL5-related conditions. This variant is present in population databases (rs200850090, gnomAD 0.02%). This sequence change replaces cysteine, which is neutral and slightly polar, with glycine, which is neutral and non-polar, at codon 429 of the TTLL5 protein (p.Cys429Gly).